The following is an entry in ClinVar:

ClinVar aggregate classification (germline): Uncertain significance (1 of 4 stars; one submission).

Conditions:
Nemaline myopathy 2 (NEM2). Also called: Nemaline myopathy 2, autosomal recessive. Identifiers: MedGen C1850569, MONDO:0009725, OMIM 256030.

Allele frequency attached by ClinVar (database versions not stated): gnomAD exomes below 0.00001; ExAC 0.00001; TOPMed 0.00001.
gnomAD v4.1: 4 of 1,593,844 alleles (0.00025%); highest among the groups gnomAD compares: Admixed American, 0.0017%; no homozygotes.

Submission:

Labcorp Genetics (formerly Invitae), Labcorp
Classification: Uncertain significance for Nemaline myopathy 2. Last evaluated: 2025-06-20. Review status: criteria provided, single submitter. Criteria: Invitae Variant Classification Sherloc (09022015). Collection method: clinical testing. Allele origin: germline.
Comment: This sequence change replaces alanine, which is neutral and non-polar, with valine, which is neutral and non-polar, at codon 4104 of the NEB protein (p.Ala4104Val). This variant is present in population databases (rs753714285, gnomAD 0.004%). This variant has not been reported in the literature in individuals affected with NEB-related conditions. ClinVar contains an entry for this variant (Variation ID: 2140597). Experimental studies and prediction algorithms are not available or were not evaluated, and the functional significance of this variant is currently unknown. In summary, the available evidence is currently insufficient to determine the role of this variant in disease. Therefore, it has been classified as a Variant of Uncertain Significance.

NM_001164508.2(NEB):c.12311C>T (p.Ala4104Val)

Gene: NEB (nebulin; minus strand). Cytogenetic location: 2q23.3.
Variant type: single nucleotide variant.
Coding change: c.12311C>T on transcript NM_001164508.2 (MANE Select); coding-DNA position 12311, C replaced by T.
Protein change: p.Ala4104Val; replaces alanine 4104 with valine.
Molecular consequence: missense variant.
Genome position (GRCh38, 1-based): chr2:151,609,828, G>A on the plus strand (C>T on the coding strand, the complement: NEB is on the minus strand). VCF-style: chr2-151609828-G-A. GRCh37 (hg19) VCF-style: chr2-152466342-G-A.
Other names: c.12311C>T, p.Ala4104Val (NM_001164507.2, NM_001271208.2); c.11582C>T, p.Ala3861Val (NM_004543.5); short protein forms A3861V, A4104V.
Identifiers: ClinVar variation 2140597 (VCV002140597.2), dbSNP rs753714285, ClinGen allele CA1908546.